The following is an entry in ClinVar:

ClinVar aggregate classification (germline): Benign. Review status: criteria provided, multiple submitters, no conflicts (2 of 4 stars). 5 submissions from 5 submitters: Benign (4). 1 of the submissions does not count toward it. Last evaluated 2026-10-01.

Conditions:
VPS13C-related disorder. Also called: VPS13C-related condition.

Allele frequency attached by ClinVar (database versions not stated): ESP Exome Variant Server 0.00746; 1000 Genomes Project 0.00220; 1000 Genomes Project 30x 0.00250; TOPMed 0.00553.
gnomAD v4.1: 13,663 of 1,613,608 alleles (0.85%); highest among the groups gnomAD compares: Non-Finnish European, 1%; 89 homozygotes.

Submissions (5):

CeGaT Center for Human Genetics Tuebingen
Classification: Benign. Last evaluated: 2026-10-01. Review status: criteria provided, single submitter. Criteria: CeGaT Center For Human Genetics Tuebingen Variant Classification Criteria Version 2. Collection method: clinical testing. Allele origin: germline. Affected: yes. Observed: 37 variant alleles.
Comment: VPS13C: BP4, BS1, BS2

Labcorp Genetics (formerly Invitae), Labcorp
Classification: Benign. Last evaluated: 2026-02-02. Review status: criteria provided, single submitter. Criteria: Invitae Variant Classification Sherloc (09022015). Collection method: clinical testing. Allele origin: germline.

Mayo Clinic Laboratories, Mayo Clinic
Classification: Benign. Last evaluated: 2023-05-02. Review status: criteria provided, single submitter. Criteria: ACMG Guidelines, 2015. Collection method: clinical testing. Allele origin: germline. Observed: 11 variant alleles.
Comment: BS1, BS2, BP4

Breakthrough Genomics
Classification: Benign. Review status: criteria provided, single submitter. Criteria: ACMG Guidelines, 2015. Collection method: not provided. Allele origin: germline. Inheritance: Autosomal recessive inheritance. Affected: yes.

PreventionGenetics, part of Exact Sciences
Classification: Benign for VPS13C-related condition. Last evaluated: 2019-06-05. Review status: no assertion criteria provided. Collection method: clinical testing. Allele origin: germline. Not counted in ClinVar's aggregate classification.
Comment: This variant is classified as benign based on ACMG/AMP sequence variant interpretation guidelines (Richards et al. 2015 PMID: 25741868, with internal and published modifications).

NM_020821.3(VPS13C):c.8366T>C (p.Ile2789Thr)

Gene: VPS13C (vacuolar protein sorting 13 homolog C; minus strand). Cytogenetic location: 15q22.2.
Variant type: single nucleotide variant.
Coding change: c.8366T>C on transcript NM_020821.3 (MANE Select); coding-DNA position 8366, T replaced by C.
Protein change: p.Ile2789Thr; replaces isoleucine 2789 with threonine.
Molecular consequence: missense variant.
Genome position (GRCh38, 1-based): chr15:61,915,712, A>G on the plus strand (T>C on the coding strand, the complement: VPS13C is on the minus strand). VCF-style: chr15-61915712-A-G. GRCh37 (hg19) VCF-style: chr15-62207911-A-G.
Other names: p.Ile2789Thr; c.8366T>C, p.Ile2789Thr (NM_001018088.3); c.8237T>C, p.Ile2746Thr (NM_017684.5, NM_018080.4); short protein forms I2746T, I2789T.
Identifiers: ClinVar variation 773562 (VCV000773562.39), dbSNP rs72747885, ClinGen allele CA7595019.